The following is an entry in ClinVar:

NM_020937.4(FANCM):c.4376C>G (p.Pro1459Arg)

Gene: FANCM (FA complementation group M; plus strand). Cytogenetic location: 14q21.2.
Variant type: single nucleotide variant.
Coding change: c.4376C>G on transcript NM_020937.4 (MANE Select); coding-DNA position 4376, C replaced by G.
Protein change: p.Pro1459Arg; replaces proline 1459 with arginine.
Molecular consequence: missense variant.
Genome position (GRCh38, 1-based): chr14:45,181,695, C>G. VCF-style: chr14-45181695-C-G. GRCh37 (hg19) VCF-style: chr14-45650898-C-G.
Other names: c.4298C>G, p.Pro1433Arg (NM_001308133.2); short protein forms P1433R, P1459R.
Identifiers: ClinVar variation 4619503 (VCV004619503.1).

ClinVar aggregate classification (germline): Uncertain significance (1 of 4 stars; one submission).

Conditions:
Inborn genetic diseases. Identifiers: MedGen C0950123, MeSH D030342.

Submission:

Ambry Genetics
Classification: Uncertain significance for Inborn genetic diseases. Last evaluated: 2025-10-22. Review status: criteria provided, single submitter. Criteria: Ambry Variant Classification Scheme 2023. Collection method: clinical testing. Allele origin: germline.
Comment: The p.P1459R variant (also known as c.4376C>G), located in coding exon 16 of the FANCM gene, results from a C to G substitution at nucleotide position 4376. The proline at codon 1459 is replaced by arginine, an amino acid with dissimilar properties. This amino acid position is conserved. In addition, this alteration is predicted to be tolerated by in silico analysis. Based on the available evidence, the clinical significance of this variant remains unclear.